The following is an entry in ClinVar:

NM_017950.4(CCDC40):c.28C>G (p.Arg10Gly)

Gene: CCDC40 (coiled-coil domain 40 molecular ruler complex subunit; plus strand). Cytogenetic location: 17q25.3.
Variant type: single nucleotide variant.
Coding change: c.28C>G on transcript NM_017950.4 (MANE Select); coding-DNA position 28, C replaced by G.
Protein change: p.Arg10Gly; replaces arginine 10 with glycine.
Molecular consequence: missense variant.
Genome position (GRCh38, 1-based): chr17:80,036,690, C>G. VCF-style: chr17-80036690-C-G. GRCh37 (hg19) VCF-style: chr17-78010489-C-G.
Other names: c.28C>G, p.Arg10Gly (NM_001243342.2, NM_001330508.2); short protein forms R10G.
Identifiers: ClinVar variation 892050 (VCV000892050.6), dbSNP rs377599647, ClinGen allele CA8813336.

ClinVar aggregate classification (germline): Uncertain significance. Review status: criteria provided, multiple submitters, no conflicts (2 of 4 stars). 2 submissions from 2 submitters: Uncertain significance (2). Last evaluated 2025-02-03.

Conditions:
Primary ciliary dyskinesia. Also called: Ciliary dyskinesia. Identifiers: Orphanet 244, MedGen C0008780, MONDO:0016575, HP:0012265.
Primary ciliary dyskinesia 15. Also called: CILIARY DYSKINESIA, PRIMARY, 15, WITH OR WITHOUT SITUS INVERSUS. Identifiers: Orphanet 244, MedGen C3151137, MONDO:0013435, OMIM 613808.

Allele frequency attached by ClinVar (database versions not stated): gnomAD 0.00008; TOPMed 0.00008; gnomAD exomes 0.00003; ExAC 0.00007.
gnomAD v4.1: 45 of 1,462,632 alleles (0.0031%); highest among the groups gnomAD compares: African/African-American, 0.014%; 1 homozygote.

Submissions (2):

Labcorp Genetics (formerly Invitae), Labcorp
Classification: Uncertain significance for Primary ciliary dyskinesia. Last evaluated: 2025-02-03. Review status: criteria provided, single submitter. Criteria: Invitae Variant Classification Sherloc (09022015). Collection method: clinical testing. Allele origin: germline.
Comment: This sequence change replaces arginine, which is basic and polar, with glycine, which is neutral and non-polar, at codon 10 of the CCDC40 protein (p.Arg10Gly). This variant is present in population databases (rs377599647, gnomAD 0.03%). This variant has not been reported in the literature in individuals affected with CCDC40-related conditions. ClinVar contains an entry for this variant (Variation ID: 892050). An algorithm developed to predict the effect of missense changes on protein structure and function outputs the following: PolyPhen-2: "Benign". The glycine amino acid residue is found in multiple mammalian species, which suggests that this missense change does not adversely affect protein function. In summary, the available evidence is currently insufficient to determine the role of this variant in disease. Therefore, it has been classified as a Variant of Uncertain Significance.

Illumina Laboratory Services, Illumina
Classification: Uncertain significance for Primary ciliary dyskinesia 15. Last evaluated: 2017-04-27. Review status: criteria provided, single submitter. Criteria: ICSL Variant Classification Criteria 13 December 2019. Collection method: clinical testing. Allele origin: germline.